The following is an entry in ClinVar:

ClinVar aggregate classification (germline): Uncertain significance (1 of 4 stars; one submission).

Conditions:
Hereditary cancer-predisposing syndrome. Also called: Hereditary neoplastic syndrome; Neoplastic Syndromes, Hereditary; Tumor predisposition; Hereditary Cancer Syndrome. Identifiers: Orphanet 140162, MedGen C0027672, MeSH D009386, MONDO:0015356.

Submission:

Ambry Genetics
Classification: Uncertain significance for Hereditary cancer-predisposing syndrome. Last evaluated: 2024-12-22. Review status: criteria provided, single submitter. Criteria: Ambry Variant Classification Scheme 2023. Collection method: clinical testing. Allele origin: germline.
Comment: The p.S102R variant (also known as c.306C>A), located in coding exon 3 of the EPCAM gene, results from a C to A substitution at nucleotide position 306. The serine at codon 102 is replaced by arginine, an amino acid with dissimilar properties. This amino acid position is conserved. In addition, this alteration is predicted to be tolerated by in silico analysis. Based on the available evidence, the clinical significance of this variant remains unclear.

NM_002354.3(EPCAM):c.306C>A (p.Ser102Arg)

Gene: EPCAM (epithelial cell adhesion molecule; plus strand). Cytogenetic location: 2p21.
Variant type: single nucleotide variant.
Coding change: c.306C>A on transcript NM_002354.3 (MANE Select); coding-DNA position 306, C replaced by A.
Protein change: p.Ser102Arg; replaces serine 102 with arginine.
Molecular consequence: missense variant.
Genome position (GRCh38, 1-based): chr2:47,373,929, C>A. VCF-style: chr2-47373929-C-A. GRCh37 (hg19) VCF-style: chr2-47601068-C-A.
Other names: short protein forms S102R.
Identifiers: ClinVar variation 3845289 (VCV003845289.1).